The following is an entry in ClinVar:

ClinVar aggregate classification (germline): Pathogenic/Likely pathogenic. Review status: criteria provided, multiple submitters, no conflicts (2 of 4 stars). 6 submissions from 6 submitters: Pathogenic (4); Likely pathogenic (1). 1 of the submissions does not count toward it. Last evaluated 2025-12-18.

Conditions:
Inborn genetic diseases. Identifiers: MedGen C0950123, MeSH D030342.
Ververi-Brady syndrome. Identifiers: MedGen C4693824, MONDO:0979877.
Ververi-Brady syndrome 1. Identifiers: Orphanet 580940, MedGen C6065891, MONDO:0060707, OMIM 617982.
QRICH1-related disorder. Also called: QRICH1-related condition.

Submissions (6):

Laboratory of Human Genetics, Universidade de São Paulo
Classification: Pathogenic for Ververi-Brady syndrome 1. Last evaluated: 2025-12-18. Review status: criteria provided, single submitter. Criteria: ACMG Guidelines, 2015. Collection method: research. Allele origin: de novo. Affected: yes. Observed: 1 variant allele.
Comment: Heterozygous variant classified as pathogenic according to ACMG/AMP guidelines (PVS1, PM2, PP5).

GeneDx
Classification: Pathogenic. Last evaluated: 2024-12-02. Review status: criteria provided, single submitter. Criteria: GeneDx Variant Classification Process June 2021. Collection method: clinical testing. Allele origin: germline. Affected: yes.
Comment: Frameshift variant predicted to result in protein truncation or nonsense mediated decay in a gene for which loss-of-function is a known mechanism of disease; Not observed at significant frequency in large population cohorts (gnomAD); Has not been previously published as pathogenic or benign to our knowledge

Genomic Medicine Center of Excellence, King Faisal Specialist Hospital and Research Centre
Classification: Pathogenic for Ververi-Brady syndrome 1. Last evaluated: 2024-10-07. Review status: criteria provided, single submitter. Criteria: ACMG Guidelines, 2015. Collection method: clinical testing. Allele origin: germline.

Ambry Genetics
Classification: Pathogenic for Inborn genetic diseases. Last evaluated: 2021-09-20. Review status: criteria provided, single submitter. Criteria: Ambry Variant Classification Scheme 2023. Collection method: clinical testing. Allele origin: germline.
Comment: The c.1149_1150delCT (p.F384Sfs*70) alteration, located in exon 4 (coding exon 2) of the QRICH1 gene, consists of a deletion of 2 nucleotides from position 1149 to 1150, causing a translational frameshift with a predicted alternate stop codon after 70 amino acids. This alteration is expected to result in loss of function by premature protein truncation or nonsense-mediated mRNA decay. This variant was not reported in population-based cohorts in the Genome Aggregation Database (gnomAD). Based on the available evidence, this alteration is classified as pathogenic.

Blueprint Genetics
Classification: Likely pathogenic for QRICH1-related disorders. Last evaluated: 2019-07-12. Review status: criteria provided, single submitter. Criteria: ACMG Guidelines, 2015. Collection method: clinical testing. Allele origin: germline. Affected: yes. Observed: 2 variant alleles.

Gene Discovery Core-Manton Center, Boston Children's Hospital
Classification: Pathogenic for Ververi-Brady syndrome 1. Last evaluated: 2020-02-14. Review status: no assertion criteria provided. Collection method: research. Allele origin: de novo. Affected: yes. Not counted in ClinVar's aggregate classification.
Comment: This variant is interpreted as Pathogenic for Ververi-Brady syndrome; Autosomal Dominant. PVS1- Null variant (nonsense, frameshift, canonical splice sites, initiation codon, single or multiexon deletion) in a gene where LOF is a known mechanism of disease. PM2- Absent from controls (gnomad). PP3- Multiple lines of computational evidence support a deleterious effect on the gene or gene product.

NM_198880.3(QRICH1):c.1149_1150del (p.Phe384fs)

Gene: QRICH1 (glutamine rich 1; minus strand). Cytogenetic location: 3p21.31.
Variant type: Microsatellite.
Coding change: c.1149_1150del on transcript NM_198880.3 (MANE Select); coding-DNA positions 1149 to 1150, 2 bases deleted (CT; older notation c.1149_1150delCT).
Protein change: p.Phe384fs; shifts the reading frame from phenylalanine 384.
Molecular consequence: frameshift variant.
Genome position (GRCh38, 1-based): chr3:49,057,050-49,057,051, AG deleted on the plus strand (CT on the coding strand, the reverse complement: QRICH1 is on the minus strand); deleting any 2 consecutive bases within chr3:49,057,050-49,057,057 gives the same sequence; the c. name uses the placement nearest the transcript's 3' end. VCF-style (leftmost placement, unchanged base first): chr3-49057049-AAG-A. GRCh37 (hg19) VCF-style: chr3-49094482-AAG-A.
Other names: c.1149_1150del, p.Phe384fs (NM_001320580.2, NM_001320581.2, NM_001320582.2 and 4 more transcripts); c.1149_1150del (NM_001320580.1); c.1149_1150delCT (NM_017730.3, NM_017730.2); short protein forms F384fs.
Identifiers: ClinVar variation 1186953 (VCV001186953.13), dbSNP rs1376687924, ClinGen allele CA907807921.